The following is an entry in ClinVar:

NM_000284.4(PDHA1):c.1026_1130dup (p.Arg378_Gly379insLysGluIleGluAspAlaAlaGlnPheAlaThrAlaAspProGluProProLeuGluGluLeuGlyTyrHisIleTyrSerSerAspProProPheGluValArg)

Gene: PDHA1 (pyruvate dehydrogenase E1 subunit alpha 1; plus strand). Cytogenetic location: Xp22.12.
Variant type: Duplication.
Coding change: c.1026_1130dup on transcript NM_000284.4 (MANE Select); coding-DNA positions 1026 to 1130, 105 bases duplicated.
Protein change: p.Arg378_Gly379insLysGluIleGluAspAlaAlaGlnPheAlaThrAlaAspProGluProProLeuGluGluLeuGlyTyrHisIleTyrSerSerAspProProPheGluValArg.
Molecular consequence: inframe insertion.
Genome position (GRCh38, 1-based): chrX:19,359,506-19,359,610, 105 bases duplicated. GRCh37 (hg19): chrX:19,377,624-19,377,728.
Other names: c.1140_1244dup, p.Arg416_Gly417insLysGluIleGluAspAlaAlaGlnPheAlaThrAlaAspProGluProProLeuGluGluLeuGlyTyrHisIleTyrSerSerAspProProPheGluValArg (NM_001173454.2); c.1047_1151dup, p.Arg385_Gly386insLysGluIleGluAspAlaAlaGlnPheAlaThrAlaAspProGluProProLeuGluGluLeuGlyTyrHisIleTyrSerSerAspProProPheGluValArg (NM_001173455.2); c.933_1037dup, p.Arg347_Gly348insLysGluIleGluAspAlaAlaGlnPheAlaThrAlaAspProGluProProLeuGluGluLeuGlyTyrHisIleTyrSerSerAspProProPheGluValArg (NM_001173456.2).
Identifiers: ClinVar variation 4070427 (VCV004070427.1).

ClinVar aggregate classification (germline): Pathogenic (0 of 4 stars; one submission).

Conditions:
Pyruvate dehydrogenase E1-alpha deficiency (PDHAD). Also called: ATAXIA, INTERMITTENT, WITH PYRUVATE DEHYDROGENASE DEFICIENCY; ATAXIA WITH LACTIC ACIDOSIS I; ATAXIA, INTERMITTENT, WITH ABNORMAL PYRUVATE METABOLISM; Ataxia, intermittent, with pyruvate dehydrogenase, or decarboxylase, deficiency. Identifiers: Orphanet 79243, MedGen C1839413, MONDO:0010717, OMIM 312170.

Submission:

PDHA1 Study Group, University Children’s Hospital, Paracelsus Medical University
Classification: Pathogenic for Pyruvate dehydrogenase E1-alpha deficiency. Last evaluated: 2024-10-15. Review status: no assertion criteria provided. Collection method: research. Allele origin: de novo. Affected: yes. Observed: 1 variant allele.
Comment: The NM_000284.3:c.1026_1130dup (p.Lys344_Arg378dup) change is a deletion-insertion (delins) variant in PDHA1 gene. Among them, 1 case had confirmed de novo occurrence. The variant has been reported in 1 published case (PMIDs: 10679936). Last literature search: July 12, 2024. This variant is absent or extremely rare in population-based cohorts in the Genome Aggregation Database (gnomAD). Individuals harboring this variant presented with clinical features compatible with PDHA1-related PDHc deficiency. In summary, this variant meets criteria to be classified as pathogenic (P) for PDHA1-related PDHc deficiency based on the ACMG/AMP criteria applied: PS2, PM1, PM2, PM4 (last assessment October 15, 2024).

Literature cited by the submitters: PubMed 10679936; DOI 10.1093/brain/awaf430.